The following is an entry in ClinVar:

ClinVar aggregate classification (germline): Uncertain significance. Review status: criteria provided, multiple submitters, no conflicts (2 of 4 stars). 5 submissions from 5 submitters: Uncertain significance (5). Last evaluated 2025-12-09.

Conditions:
Hereditary breast ovarian cancer syndrome. Also called: Hereditary breast and ovarian cancer syndrome (HBOC); Breast and ovarian cancer; Hereditary breast and ovarian cancer; BRCA1- and BRCA2-Associated Hereditary Breast and Ovarian Cancer; Hereditary breast and/or ovarian cancer syndrome; Hereditary breast and ovarian cancer syndrome. Identifiers: Orphanet 145, MedGen C0677776, MeSH D061325, MONDO:0003582. Disease mechanism: loss of function.
Hereditary cancer-predisposing syndrome. Also called: Tumor predisposition; Hereditary neoplastic syndrome; Neoplastic Syndromes, Hereditary; Hereditary Cancer Syndrome. Identifiers: Orphanet 140162, MedGen C0027672, MeSH D009386, MONDO:0015356.
Breast-ovarian cancer, familial, susceptibility to, 2 (BROVCA2). Also called: BRCA2 Hereditary Breast and Ovarian Cancer. Identifiers: Orphanet 145, MedGen C2675520, MONDO:0012933, OMIM 612555. Disease mechanism: loss of function.

Allele frequency attached by ClinVar (database versions not stated): ExAC 0.00002.
gnomAD v4.1: 4 of 1,610,486 alleles (0.00025%); highest among the groups gnomAD compares: Admixed American, 0.0067%; no homozygotes.

Submissions (5):

Labcorp Genetics (formerly Invitae), Labcorp
Classification: Uncertain significance for Hereditary breast ovarian cancer syndrome. Last evaluated: 2025-12-09. Review status: criteria provided, single submitter. Criteria: Invitae Variant Classification Sherloc (09022015). Collection method: clinical testing. Allele origin: germline.
Comment: This sequence change replaces histidine, which is basic and polar, with proline, which is neutral and non-polar, at codon 2324 of the BRCA2 protein (p.His2324Pro). This variant is present in population databases (rs398122574, gnomAD 0.01%). This variant has not been reported in the literature in individuals affected with BRCA2-related conditions. ClinVar contains an entry for this variant (Variation ID: 495494). Invitae Evidence Modeling of protein sequence and biophysical properties (such as structural, functional, and spatial information, amino acid conservation, physicochemical variation, residue mobility, and thermodynamic stability) indicates that this missense variant is not expected to disrupt BRCA2 protein function with a negative predictive value of 95%. In summary, the available evidence is currently insufficient to determine the role of this variant in disease. Therefore, it has been classified as a Variant of Uncertain Significance.

Women's Health and Genetics/Laboratory Corporation of America, LabCorp
Classification: Uncertain significance. Last evaluated: 2025-08-08. Review status: criteria provided, single submitter. Criteria: LabCorp Variant Classification Summary - May 2015. Collection method: clinical testing. Allele origin: germline.
Comment: Variant summary: BRCA2 c.6971A>C (p.His2324Pro) results in a non-conservative amino acid change in the encoded protein sequence. Algorithms developed to predict the effect of missense changes on protein structure and function all suggest that this variant is likely to be disruptive. The variant allele was found at a frequency of 1.6e-05 in 250320 control chromosomes. The available data on variant occurrences in the general population are insufficient to allow any conclusion about variant significance. To our knowledge, no occurrence of c.6971A>C in individuals affected with Hereditary Breast And Ovarian Cancer Syndrome has been reported. One publication reports experimental evidence evaluating an impact on protein function, suggesting the variant is not predicted to affect protein function in a humanized-mouse embryonic stem cell line cell-survival assay (e.g., Sahu_2023). The following publication has been ascertained in the context of this evaluation (PMID: 37713444). ClinVar contains an entry for this variant (Variation ID: 495494). Based on the evidence outlined above, the variant was classified as uncertain significance.

All of Us Research Program, National Institutes of Health
Classification: Uncertain significance for Breast-ovarian cancer, familial, susceptibility to, 2. Last evaluated: 2024-01-11. Review status: criteria provided, single submitter. Criteria: ACMG Guidelines, 2015. Collection method: clinical testing. Allele origin: germline. Inheritance: Autosomal dominant inheritance. Observed: 5 variant alleles, 5 heterozygotes.
Comment: This missense variant replaces histidine with proline at codon 2324 of the BRCA2 protein. Computational prediction suggests that this variant may have deleterious impact on protein structure and function (internally defined REVEL score threshold >= 0.7, PMID: 27666373). To our knowledge, functional studies have not been reported for this variant. This variant has not been reported in individuals affected with BRCA2-related disorders in the literature. This variant has been identified in 4/250320 chromosomes in the general population by the Genome Aggregation Database (gnomAD). The available evidence is insufficient to determine the role of this variant in disease conclusively. Therefore, this variant is classified as a Variant of Uncertain Significance.

This study involves interpretation of variants in research participants for the purpose of population health screening. Participant phenotype was not available at the time of variant classification. Additional details can be found in publication PMID: 35346344, PMCID: PMC8962531

Ambry Genetics
Classification: Uncertain significance for Hereditary cancer-predisposing syndrome. Last evaluated: 2023-11-03. Review status: criteria provided, single submitter. Criteria: Ambry Variant Classification Scheme 2023. Collection method: clinical testing. Allele origin: germline.
Comment: The p.H2324P variant (also known as c.6971A>C), located in coding exon 12 of the BRCA2 gene, results from an A to C substitution at nucleotide position 6971. The histidine at codon 2324 is replaced by proline, an amino acid with similar properties. This amino acid position is well conserved in available vertebrate species. In addition, the in silico prediction for this alteration is inconclusive. Since supporting evidence is limited at this time, the clinical significance of this alteration remains unclear.

Quest Diagnostics Nichols Institute San Juan Capistrano
Classification: Uncertain significance. Last evaluated: 2020-06-30. Review status: criteria provided, single submitter. Criteria: Quest Diagnostics criteria. Collection method: clinical testing. Allele origin: unknown.

Literature cited by the submitters: PubMed 37713444 (cited by Women's Health and Genetics/Laboratory Corporation of America, LabCorp).

NM_000059.4(BRCA2):c.6971A>C (p.His2324Pro)

Gene: BRCA2 (BRCA2 DNA repair associated; plus strand). Cytogenetic location: 13q13.1.
Variant type: single nucleotide variant.
Coding change: c.6971A>C on transcript NM_000059.4 (MANE Select); coding-DNA position 6971, A replaced by C.
Protein change: p.His2324Pro; replaces histidine 2324 with proline.
Molecular consequence: missense variant.
Genome position (GRCh38, 1-based): chr13:32,346,860, A>C. VCF-style: chr13-32346860-A-C. GRCh37 (hg19) VCF-style: chr13-32920997-A-C.
Other names: short protein forms H2324P.
Identifiers: ClinVar variation 495494 (VCV000495494.13), dbSNP rs398122574, ClinGen allele CA6941034.